The following is an entry in ClinVar:

NM_003072.5(SMARCA4):c.2056G>A (p.Glu686Lys)

Gene: SMARCA4 (SWI/SNF related BAF chromatin remodeling complex subunit ATPase 4; plus strand). Cytogenetic location: 19p13.2.
Variant type: single nucleotide variant.
Coding change: c.2056G>A on transcript NM_003072.5 (MANE Select); coding-DNA position 2056, G replaced by A.
Protein change: p.Glu686Lys; replaces glutamic acid 686 with lysine.
Molecular consequence: missense variant. On other transcripts: non-coding transcript variant (1).
Genome position (GRCh38, 1-based): chr19:11,007,956, G>A. VCF-style: chr19-11007956-G-A. GRCh37 (hg19) VCF-style: chr19-11118632-G-A.
Other names: c.2056G>A, p.Glu686Lys (NM_001128844.3, NM_001128845.2, NM_001128846.2 and 5 more transcripts); short protein forms E686K.
Identifiers: ClinVar variation 537833 (VCV000537833.11), dbSNP rs1555771625, ClinGen allele CA404052476.

ClinVar aggregate classification (germline): Uncertain significance. Review status: criteria provided, multiple submitters, no conflicts (2 of 4 stars). 2 submissions from 2 submitters: Uncertain significance (2). Last evaluated 2024-07-02.

Conditions:
Hereditary cancer-predisposing syndrome. Also called: Tumor predisposition; Hereditary Cancer Syndrome; Hereditary neoplastic syndrome; Neoplastic Syndromes, Hereditary. Identifiers: Orphanet 140162, MedGen C0027672, MeSH D009386, MONDO:0015356.
Rhabdoid tumor predisposition syndrome 2 (RTPS2). Identifiers: Orphanet 231108, Orphanet 69077, MedGen C2750074, MONDO:0013224, OMIM 613325.

Allele frequency attached by ClinVar (database versions not stated): gnomAD exomes below 0.00001.
gnomAD v4.1: 1 of 1,613,856 alleles (0.000062%); highest among the groups gnomAD compares: Non-Finnish European, 0.000085%; no homozygotes.

Submissions (2):

Labcorp Genetics (formerly Invitae), Labcorp
Classification: Uncertain significance for Rhabdoid tumor predisposition syndrome 2. Last evaluated: 2024-07-02. Review status: criteria provided, single submitter. Criteria: Invitae Variant Classification Sherloc (09022015). Collection method: clinical testing. Allele origin: germline.
Comment: This sequence change replaces glutamic acid, which is acidic and polar, with lysine, which is basic and polar, at codon 686 of the SMARCA4 protein (p.Glu686Lys). This variant is not present in population databases (gnomAD no frequency). This variant has not been reported in the literature in individuals affected with SMARCA4-related conditions. ClinVar contains an entry for this variant (Variation ID: 537833). Advanced modeling of protein sequence and biophysical properties (such as structural, functional, and spatial information, amino acid conservation, physicochemical variation, residue mobility, and thermodynamic stability) has been performed at Invitae for this missense variant, however the output from this modeling did not meet the statistical confidence thresholds required to predict the impact of this variant on SMARCA4 protein function. In summary, the available evidence is currently insufficient to determine the role of this variant in disease. Therefore, it has been classified as a Variant of Uncertain Significance.

Ambry Genetics
Classification: Uncertain significance for Hereditary cancer-predisposing syndrome. Last evaluated: 2021-05-17. Review status: criteria provided, single submitter. Criteria: Ambry Variant Classification Scheme 2023. Collection method: clinical testing. Allele origin: germline.
Comment: The p.E686K variant (also known as c.2056G>A), located in coding exon 13 of the SMARCA4 gene, results from a G to A substitution at nucleotide position 2056. The glutamic acid at codon 686 is replaced by lysine, an amino acid with similar properties. This amino acid position is well conserved in available vertebrate species. In addition, the in silico prediction for this alteration is inconclusive. Missense and in-frame variants in SMARCA4 are known to cause neurodevelopmental disorders; however, such associations with rhabdoid tumor predisposition syndrome including small cell carcinoma of the ovary-hypercalcemic type (SCCOHT) are exceedingly rare (Kosho T et al. Am J Med Genet C Semin Med Genet. 2014 Sep;166C(3):262-75; Jelinic P et al. Nat Genet. 2014 May;46(5):424-6). Based on the supporting evidence, the association of this alteration with Coffin-Siris syndrome is unknown; however, the association of this alteration with rhabdoid tumor predisposition syndrome is unlikely.